The following is an entry in ClinVar:

ClinVar aggregate classification (germline): Uncertain significance. Review status: criteria provided, multiple submitters, no conflicts (2 of 4 stars). 3 submissions from 3 submitters: Uncertain significance (3). Last evaluated 2025-08-25.

Conditions:
Inborn genetic diseases. Identifiers: MedGen C0950123, MeSH D030342.
Infantile neuroaxonal dystrophy (NBIA2A). Also called: Infantile neuroaxonal dystrophy 1; NEURODEGENERATION WITH BRAIN IRON ACCUMULATION 2A; SEITELBERGER DISEASE. Identifiers: Orphanet 35069, MedGen C0270724, MONDO:0024457, OMIM 256600.

Allele frequency attached by ClinVar (database versions not stated): gnomAD 0.00001; TOPMed 0.00001; ExAC 0.00005.
gnomAD v4.1: 11 of 1,552,616 alleles (0.00071%); highest among the groups gnomAD compares: Admixed American, 0.0039%; no homozygotes.

Submissions (3):

Ambry Genetics
Classification: Uncertain significance for Inborn genetic diseases. Last evaluated: 2025-08-25. Review status: criteria provided, single submitter. Criteria: Ambry Variant Classification Scheme 2023. Collection method: clinical testing. Allele origin: germline.

Labcorp Genetics (formerly Invitae), Labcorp
Classification: Uncertain significance for Infantile neuroaxonal dystrophy. Last evaluated: 2025-03-17. Review status: criteria provided, single submitter. Criteria: Invitae Variant Classification Sherloc (09022015). Collection method: clinical testing. Allele origin: germline.
Comment: This sequence change replaces arginine, which is basic and polar, with histidine, which is basic and polar, at codon 346 of the PLA2G6 protein (p.Arg346His). The frequency data for this variant in the population databases is considered unreliable, as metrics indicate poor data quality at this position in the gnomAD database. This variant has not been reported in the literature in individuals affected with PLA2G6-related conditions. ClinVar contains an entry for this variant (Variation ID: 2070659). Invitae Evidence Modeling of protein sequence and biophysical properties (such as structural, functional, and spatial information, amino acid conservation, physicochemical variation, residue mobility, and thermodynamic stability) indicates that this missense variant is not expected to disrupt PLA2G6 protein function with a negative predictive value of 80%. In summary, the available evidence is currently insufficient to determine the role of this variant in disease. Therefore, it has been classified as a Variant of Uncertain Significance.

CeGaT Center for Human Genetics Tuebingen
Classification: Uncertain significance. Last evaluated: 2023-01-01. Review status: criteria provided, single submitter. Criteria: CeGaT Center For Human Genetics Tuebingen Variant Classification Criteria Version 2. Collection method: clinical testing. Allele origin: germline. Affected: yes. Observed: 1 variant allele.
Comment: PLA2G6: PM2, BP4

NM_003560.4(PLA2G6):c.1037G>A (p.Arg346His)

Gene: PLA2G6 (phospholipase A2 group VI; minus strand). Cytogenetic location: 22q13.1.
Variant type: single nucleotide variant.
Coding change: c.1037G>A on transcript NM_003560.4 (MANE Select); coding-DNA position 1037, G replaced by A.
Protein change: p.Arg346His; replaces arginine 346 with histidine.
Molecular consequence: missense variant.
Genome position (GRCh38, 1-based): chr22:38,132,871, C>T on the plus strand (G>A on the coding strand, the complement: PLA2G6 is on the minus strand). VCF-style: chr22-38132871-C-T. GRCh37 (hg19) VCF-style: chr22-38528878-C-T.
Other names: c.1037G>A (NM_003560.2); c.1037G>A, p.Arg346His (NM_001004426.3, NM_001199562.3, NM_001349864.2 and 2 more transcripts); c.503G>A, p.Arg168His (NM_001349867.2, NM_001349869.2); c.359G>A, p.Arg120His (NM_001349868.2); short protein forms R120H, R168H, R346H.
Identifiers: ClinVar variation 2070659 (VCV002070659.31), dbSNP rs772176591, ClinGen allele CA10231070.
Genomic context (GRCh38, chr22:38,132,871, plus strand): 5'-ACACGCGGTCCTGGGCTCACCGACATGGCCAGGTGCAGCGGGGTGTTGCCGTGCTCTCCG[C>T]GGGCATCCGCGTTGGCCCCGTGGGTCAGCAGCACTATGGCACAGTCGAAGCGGTTGCGCA-3'
Protein context (NP_003551.2, residues 336-356): LLTHGANADA[Arg346His]GEHGNTPLHL